The following is an entry in ClinVar:

ClinVar aggregate classification (germline): Uncertain significance (0 of 4 stars; one submission).

Conditions:
PLXNA3-related disorder. Also called: PLXNA3-related condition.

Submission:

PreventionGenetics, part of Exact Sciences
Classification: Uncertain significance for PLXNA3-related condition. Last evaluated: 2024-02-22. Review status: no assertion criteria provided. Collection method: clinical testing. Allele origin: germline.
Comment: The PLXNA3 c.4930G>T variant is predicted to result in the amino acid substitution p.Asp1644Tyr. To our knowledge, this variant has not been reported in the literature or in a large population database, indicating this variant is rare. At this time, the clinical significance of this variant is uncertain due to the absence of conclusive functional and genetic evidence.

NM_017514.5(PLXNA3):c.4930G>T (p.Asp1644Tyr)

Gene: PLXNA3 (plexin A3; plus strand). Cytogenetic location: Xq28.
Variant type: single nucleotide variant.
Coding change: c.4930G>T on transcript NM_017514.5 (MANE Select); coding-DNA position 4930, G replaced by T.
Protein change: p.Asp1644Tyr; replaces aspartic acid 1644 with tyrosine.
Molecular consequence: missense variant.
Genome position (GRCh38, 1-based): chrX:154,470,111, G>T. VCF-style: chrX-154470111-G-T. GRCh37 (hg19) VCF-style: chrX-153698454-G-T.
Other names: short protein forms D1644Y.
Identifiers: ClinVar variation 3349371 (VCV003349371.1).